The following is an entry in ClinVar:

NM_000257.4(MYH7):c.4707G>T (p.Lys1569Asn)

Genes: MHRT (myosin heavy chain associated RNA transcript; plus strand), MYH7 (myosin heavy chain 7; minus strand), LOC126861897 (BRD4-independent group 4 enhancer GRCh37_chr14:23884455-23885654; plus strand). Cytogenetic location: 14q11.2.
Variant type: single nucleotide variant.
Coding change: c.4707G>T on transcript NM_000257.4 (MANE Select); coding-DNA position 4707, G replaced by T.
Protein change: p.Lys1569Asn; replaces lysine 1569 with asparagine.
Molecular consequence: missense variant. On other transcripts: non-coding transcript variant (1).
Genome position (GRCh38, 1-based): chr14:23,416,250, C>A on the plus strand (G>T on the coding strand, the complement: MYH7 is on the minus strand). VCF-style: chr14-23416250-C-A. GRCh37 (hg19) VCF-style: chr14-23885459-C-A.
Other names: c.4707G>T (LRG_384t1); short protein forms K1569N.
Identifiers: ClinVar variation 191727 (VCV000191727.1), dbSNP rs199557822, ClinGen allele CA015240.

ClinVar aggregate classification (germline): Uncertain significance (1 of 4 stars; one submission).

Submission:

Biesecker Lab/Clinical Genomics Section, National Institutes of Health
Classification: Uncertain significance. Last evaluated: 2013-06-24. Review status: criteria provided, single submitter. Criteria: Ng et al. (Circ Cardiovasc Genet. 2013). Collection method: research. Allele origin: unknown. Observed: 1 variant allele. Study: ClinSeq.
Comment: The study set was not selected for affection status in relation to any cancer. Pathogenicity categories were based on literature curation. See Pubmed ID:23861362 for details.

Medical sequencing